The following is an entry in ClinVar:

ClinVar aggregate classification (germline): Uncertain significance (1 of 4 stars; one submission).

Submission:

Athena Diagnostics
Classification: Uncertain significance. Last evaluated: 2025-09-05. Review status: criteria provided, single submitter. Criteria: Athena Diagnostics Criteria. Collection method: clinical testing. Allele origin: unknown.
Comment: Available data are insufficient to determine the clinical significance of the variant at this time. This variant has not been reported in large, multi-ethnic general populations. Polyphen and MutationTaster predict this amino acid change may be damaging to the protein. The variant is located in a region that is considered important for protein function and/or structure.

NM_000334.4(SCN4A):c.2125A>C (p.Ile709Leu)

Genes: GH-LCR (growth hormone locus control region; plus strand), SCN4A (sodium voltage-gated channel alpha subunit 4; minus strand). Cytogenetic location: 17q23.3.
Variant type: single nucleotide variant.
Coding change: c.2125A>C on transcript NM_000334.4 (MANE Select); coding-DNA position 2125, A replaced by C.
Protein change: p.Ile709Leu; replaces isoleucine 709 with leucine.
Molecular consequence: missense variant.
Genome position (GRCh38, 1-based): chr17:63,957,413, T>G on the plus strand (A>C on the coding strand, the complement: SCN4A is on the minus strand). VCF-style: chr17-63957413-T-G. GRCh37 (hg19) VCF-style: chr17-62034773-T-G.
Other names: short protein forms I709L.
Identifiers: ClinVar variation 4682189 (VCV004682189.1).